The following is an entry in ClinVar:

NM_000642.3(AGL):c.169T>C (p.Phe57Leu)

Gene: AGL (amylo-alpha-1,6-glucosidase and 4-alpha-glucanotransferase; plus strand). Cytogenetic location: 1p21.2.
Variant type: single nucleotide variant.
Coding change: c.169T>C on transcript NM_000642.3 (MANE Select); coding-DNA position 169, T replaced by C.
Protein change: p.Phe57Leu; replaces phenylalanine 57 with leucine.
Molecular consequence: missense variant.
Genome position (GRCh38, 1-based): chr1:99,861,589, T>C. VCF-style: chr1-99861589-T-C. GRCh37 (hg19) VCF-style: chr1-100327145-T-C.
Other names: c.169T>C, p.Phe57Leu (NM_000028.3, NM_000643.3, NM_000644.3 and 5 more transcripts); c.121T>C, p.Phe41Leu (NM_000646.3); short protein forms F57L, F41L.
Identifiers: ClinVar variation 1470739 (VCV001470739.3), dbSNP rs756476562, ClinGen allele CA966077.

ClinVar aggregate classification (germline): Uncertain significance (1 of 4 stars; one submission).

Conditions:
Glycogen storage disease type III (GSD3). Also called: Cori disease; FORBES DISEASE. Identifiers: Orphanet 366, MedGen C0017922, MONDO:0009291, OMIM 232400.

Allele frequency attached by ClinVar (database versions not stated): gnomAD exomes below 0.00001; ExAC 0.00001.
gnomAD v4.1: 5 of 1,613,964 alleles (0.00031%); highest among the groups gnomAD compares: East Asian, 0.0089%; no homozygotes.

Submission:

Labcorp Genetics (formerly Invitae), Labcorp
Classification: Uncertain significance for Glycogen storage disease type III. Last evaluated: 2022-03-22. Review status: criteria provided, single submitter. Criteria: Invitae Variant Classification Sherloc (09022015). Collection method: clinical testing. Allele origin: germline.
Comment: This sequence change replaces phenylalanine, which is neutral and non-polar, with leucine, which is neutral and non-polar, at codon 57 of the AGL protein (p.Phe57Leu). This variant is present in population databases (rs756476562, gnomAD 0.006%). This variant has not been reported in the literature in individuals affected with AGL-related conditions. Algorithms developed to predict the effect of missense changes on protein structure and function are either unavailable or do not agree on the potential impact of this missense change (SIFT: "Deleterious"; PolyPhen-2: "Possibly Damaging"; Align-GVGD: "Class C0"). In summary, the available evidence is currently insufficient to determine the role of this variant in disease. Therefore, it has been classified as a Variant of Uncertain Significance.